The following is an entry in ClinVar:

NM_000053.4(ATP7B):c.1883_1884del (p.His628fs)

Gene: ATP7B (ATPase copper transporting beta; minus strand). Cytogenetic location: 13q14.3.
Variant type: Deletion.
Coding change: c.1883_1884del on transcript NM_000053.4 (MANE Select); coding-DNA positions 1883 to 1884, 2 bases deleted (AT; older notation c.1883_1884delAT).
Protein change: p.His628fs; shifts the reading frame from histidine 628.
Molecular consequence: frameshift variant. On other transcripts: intron variant (13).
Genome position (GRCh38, 1-based): chr13:51,961,899-51,961,900, AT deleted on the plus strand (AT on the coding strand, the reverse complement: ATP7B is on the minus strand). VCF-style (leftmost placement, unchanged base first): chr13-51961898-CAT-C. GRCh37 (hg19) VCF-style: chr13-52536034-CAT-C.
Other names: c.1550_1551del, p.His517fs (NM_001243182.2); c.1883_1884del, p.His628fs (NM_001330578.2, NM_001406511.1, NM_001406512.1 and 16 more transcripts); c.1850_1851del, p.His617fs (NM_001406514.1, NM_001406524.1); c.1787_1788del, p.His596fs (NM_001406517.1, NM_001406518.1, NM_001406530.1 and 1 more transcripts); c.1869+2972_1869+2973del (NM_001406532.1, NM_001005918.3, NM_001406546.1 and 5 more transcripts); c.1286-11739_1286-11738del (NM_001406548.1); c.1708-4293_1708-4292del (NM_001406547.1, NM_001406545.1); c.1773+2972_1773+2973del (NM_001406544.1, NM_001406543.1); and 2 more; short protein forms H485fs, H517fs, H596fs, H617fs, H628fs.
Identifiers: ClinVar variation 2679807 (VCV002679807.2), dbSNP rs2547734539, ClinGen allele CA2695199749.

ClinVar aggregate classification (germline): Pathogenic. Review status: criteria provided, multiple submitters, no conflicts (2 of 4 stars). 2 submissions from 2 submitters: Pathogenic (2). Last evaluated 2024-10-16.

Conditions:
Wilson disease (WND). Also called: Wilson's disease. Identifiers: Orphanet 905, MedGen C0019202, MONDO:0010200, OMIM 277900. Disease mechanism: loss of function.

Submissions (2):

Natera, Inc.
Classification: Pathogenic for Wilson disease. Last evaluated: 2024-10-16. Review status: criteria provided, single submitter. Criteria: Natera Variant Classification Schema (03/2026). Collection method: clinical testing. Allele origin: germline.
Comment: The c.1883_1884delAT variant in ATP7B is a frameshift variant predicted to shift the reading frame beginning at codon 628 and leads to a stop codon 126 codons downstream. This variant is expected to result in nonsense mediated decay, truncation, or a dysfunctional protein product. This variant is rare in the general population with a frequency below the threshold expected for the associated phenotype(s). This variant has been observed in one or more individuals affected with the associated recessive disease, as either homozygous or compound heterozygous with a second variant (PMID: 33640437). Given the available evidence, this variant is classified as Pathogenic.

Baylor Genetics
Classification: Pathogenic for Wilson disease. Last evaluated: 2023-04-22. Review status: criteria provided, single submitter. Criteria: ACMG Guidelines, 2015. Collection method: clinical testing. Allele origin: unknown.

Literature cited by the submitters: PubMed 33640437 (cited by Natera, Inc.).